The following is an entry in ClinVar:

NM_000051.4(ATM):c.5698T>A (p.Cys1900Ser)

Gene: ATM (ATM serine/threonine kinase; plus strand). Cytogenetic location: 11q22.3.
Variant type: single nucleotide variant.
Coding change: c.5698T>A on transcript NM_000051.4 (MANE Select); coding-DNA position 5698, T replaced by A.
Protein change: p.Cys1900Ser; replaces cysteine 1900 with serine.
Molecular consequence: missense variant.
Genome position (GRCh38, 1-based): chr11:108,307,920, T>A. VCF-style: chr11-108307920-T-A. GRCh37 (hg19) VCF-style: chr11-108178647-T-A.
Other names: c.5698T>A, p.Cys1900Ser (NM_001351834.2); short protein forms C1900S.
Identifiers: ClinVar variation 1331883 (VCV001331883.5), dbSNP rs2083817433, ClinGen allele CA382547812.
Genomic context (GRCh38, chr11:108,307,920, plus strand): 5'-ATGCCTGGGACTGAGGGGAGATATTTTTGTTTGTCAGAGTCAGAGCACTTTTTCCGATGC[T>A]GTTTGGATAAAAAATCACAAAGAACAATGCTTGCTGTTGTGGACTACATGAGAAGACAAA-3'
Protein context (NP_000042.3, residues 1890-1910): DSESEHFFRC[Cys1900Ser]LDKKSQRTML

ClinVar aggregate classification (germline): Uncertain significance. Review status: criteria provided, multiple submitters, no conflicts (2 of 4 stars). 2 submissions from 2 submitters: Uncertain significance (2). Last evaluated 2024-03-07.

Conditions:
Hereditary cancer-predisposing syndrome. Also called: Tumor predisposition; Hereditary Cancer Syndrome; Neoplastic Syndromes, Hereditary; Hereditary neoplastic syndrome. Identifiers: Orphanet 140162, MedGen C0027672, MeSH D009386, MONDO:0015356.

Submissions (2):

Color Diagnostics, LLC DBA Color Health
Classification: Uncertain significance for Hereditary cancer-predisposing syndrome. Last evaluated: 2024-03-07. Review status: criteria provided, single submitter. Criteria: ACMG Guidelines, 2015. Collection method: clinical testing. Allele origin: germline.
Comment: This missense variant replaces cysteine with serine at codon 1900 of the ATM protein. Computational prediction suggests that this variant may not impact protein structure and function (internally defined REVEL score threshold <= 0.5, PMID: 27666373). To our knowledge, functional studies have not been reported for this variant. This variant has not been reported in individuals affected with hereditary cancer in the literature. This variant has not been identified in the general population by the Genome Aggregation Database (gnomAD). The available evidence is insufficient to determine the role of this variant in disease conclusively. Therefore, this variant is classified as a Variant of Uncertain Significance.

Ambry Genetics
Classification: Uncertain significance for Hereditary cancer-predisposing syndrome. Last evaluated: 2022-01-08. Review status: criteria provided, single submitter. Criteria: Ambry Variant Classification Scheme 2023. Collection method: clinical testing. Allele origin: germline.
Comment: The p.C1900S variant (also known as c.5698T>A), located in coding exon 37 of the ATM gene, results from a T to A substitution at nucleotide position 5698. The cysteine at codon 1900 is replaced by serine, an amino acid with dissimilar properties. This amino acid position is conserved. In addition, this alteration is predicted to be tolerated by in silico analysis. Since supporting evidence is limited at this time, the clinical significance of this alteration remains unclear.